The following is an entry in ClinVar:

ClinVar aggregate classification (germline): Likely pathogenic (1 of 4 stars; one submission).

Submission:

Center for Genomic Medicine, Rigshospitalet, Copenhagen University Hospital
Classification: Likely pathogenic. Last evaluated: 2025-12-29. Review status: criteria provided, single submitter. Criteria: ACMG Guidelines, 2015. Collection method: clinical testing. Allele origin: germline.
Comment: Classification criteria: PVS1, PM2_supporting

NM_000038.6(APC):c.4024_4025insG (p.Leu1342fs)

Gene: APC (APC regulator of Wnt signaling pathway; plus strand). Cytogenetic location: 5q22.2.
Variant type: Insertion.
Coding change: c.4024_4025insG on transcript NM_000038.6 (MANE Select); coding-DNA positions 4024 to 4025, G inserted.
Protein change: p.Leu1342fs; shifts the reading frame from leucine 1342.
Molecular consequence: frameshift variant. On other transcripts: non-coding transcript variant (2).
Genome position: GRCh38 VCF-style: chr5-112839618-T-TG. GRCh37 (hg19) VCF-style: chr5-112175315-T-TG.
Other names: c.3775_3776insG, p.Leu1259fs (NM_001407457.1, NM_001407454.1, NM_001407455.1 and 1 more transcripts); c.3721_3722insG, p.Leu1241fs (NM_001407458.1, NM_001407459.1, NM_001407460.1 and 1 more transcripts); c.3637_3638insG, p.Leu1213fs (NM_001407467.1, NM_001407469.1); c.3175_3176insG, p.Leu1059fs (NM_001407470.1, NM_001354906.2); c.2872_2873insG, p.Leu958fs (NM_001407471.1, NM_001407472.1); c.4078_4079insG, p.Leu1360fs (NM_001407447.1, NM_001407448.1, NM_001407449.1 and 1 more transcripts); c.4024_4025insG, p.Leu1342fs (NM_001407450.1, NM_001127510.3, NM_001354895.2); c.4003_4004insG, p.Leu1335fs (NM_001407451.1); and 11 more; short protein forms L1059fs, L1182fs, L1213fs, L1216fs, L1241fs, L1251fs, L1259fs, L1283fs.
Identifiers: ClinVar variation 4539458 (VCV004539458.1).